The following is an entry in ClinVar:

NM_014679.5(CEP57):c.901C>T (p.His301Tyr)

Gene: CEP57 (centrosomal protein 57; plus strand). Cytogenetic location: 11q21.
Variant type: single nucleotide variant.
Coding change: c.901C>T on transcript NM_014679.5 (MANE Select); coding-DNA position 901, C replaced by T.
Protein change: p.His301Tyr; replaces histidine 301 with tyrosine.
Molecular consequence: missense variant.
Genome position (GRCh38, 1-based): chr11:95,827,801, C>T. VCF-style: chr11-95827801-C-T. GRCh37 (hg19) VCF-style: chr11-95560965-C-T.
Other names: c.874C>T, p.His292Tyr (NM_001243776.2); c.823C>T, p.His275Tyr (NM_001243777.2); c.820C>T, p.His274Tyr (NM_001363604.2); c.901C>T (NM_014679.4); short protein forms H275Y, H292Y, H301Y, H274Y.
Identifiers: ClinVar variation 3675624 (VCV003675624.3).

ClinVar aggregate classification (germline): Uncertain significance. Review status: criteria provided, multiple submitters, no conflicts (2 of 4 stars). 2 submissions from 2 submitters: Uncertain significance (2). Last evaluated 2025-11-13.

Conditions:
Inborn genetic diseases. Identifiers: MedGen C0950123, MeSH D030342.
Mosaic variegated aneuploidy syndrome 2 (MVA2). Identifiers: Orphanet 1052, MedGen C3279843, MONDO:0013582, OMIM 614114.

Submissions (2):

Ambry Genetics
Classification: Uncertain significance for Inborn genetic diseases. Last evaluated: 2025-11-13. Review status: criteria provided, single submitter. Criteria: Ambry Variant Classification Scheme 2023. Collection method: clinical testing. Allele origin: germline.
Comment: The p.H301Y variant (also known as c.901C>T), located in coding exon 9 of the CEP57 gene, results from a C to T substitution at nucleotide position 901. The histidine at codon 301 is replaced by tyrosine, an amino acid with similar properties. This amino acid position is conserved. In addition, the in silico prediction for this alteration is inconclusive. Based on the available evidence, the clinical significance of this variant remains unclear.

Labcorp Genetics (formerly Invitae), Labcorp
Classification: Uncertain significance for Mosaic variegated aneuploidy syndrome 2. Last evaluated: 2024-12-16. Review status: criteria provided, single submitter. Criteria: Invitae Variant Classification Sherloc (09022015). Collection method: clinical testing. Allele origin: germline.
Comment: This sequence change replaces histidine, which is basic and polar, with tyrosine, which is neutral and polar, at codon 301 of the CEP57 protein (p.His301Tyr). This variant is not present in population databases (gnomAD no frequency). This variant has not been reported in the literature in individuals affected with CEP57-related conditions. Invitae Evidence Modeling of protein sequence and biophysical properties (such as structural, functional, and spatial information, amino acid conservation, physicochemical variation, residue mobility, and thermodynamic stability) indicates that this missense variant is not expected to disrupt CEP57 protein function with a negative predictive value of 80%. In summary, the available evidence is currently insufficient to determine the role of this variant in disease. Therefore, it has been classified as a Variant of Uncertain Significance.